The following is an entry in ClinVar:

NM_002972.4(SBF1):c.352C>G (p.Pro118Ala)

Gene: SBF1 (SET binding factor 1; minus strand). Cytogenetic location: 22q13.33.
Variant type: single nucleotide variant.
Coding change: c.352C>G on transcript NM_002972.4 (MANE Select); coding-DNA position 352, C replaced by G.
Protein change: p.Pro118Ala; replaces proline 118 with alanine.
Molecular consequence: missense variant.
Genome position (GRCh38, 1-based): chr22:50,467,618, G>C on the plus strand (C>G on the coding strand, the complement: SBF1 is on the minus strand). VCF-style: chr22-50467618-G-C. GRCh37 (hg19) VCF-style: chr22-50906047-G-C.
Other names: c.355C>G, p.Pro119Ala (NM_001365819.1, NM_001410794.1); c.352C>G, p.Pro118Ala (NM_001410795.1, NM_197971.1); c.352C>G (NM_002972.2); short protein forms P118A, P119A.
Identifiers: ClinVar variation 2635327 (VCV002635327.2), dbSNP rs376316390, ClinGen allele CA412223415.
Genomic context (GRCh38, chr22:50,467,618, plus strand): 5'-GCGACACCAGTACCAGCGTCTTCGGTGCAAACAGCTGGGCAGATGGGGCAGGTGCTGTGG[G>C]AGACAGGTGGGTCTGGCCTCCCTCATCCCCCTCTTCCTCCCTCTCTGTGGCATCCTCCAC-3'
Protein context (NP_002963.2, residues 108-128): GDEGGQTHLS[Pro118Ala]TAPAPSAQLF

ClinVar aggregate classification (germline): Uncertain significance. Review status: criteria provided, multiple submitters, no conflicts (2 of 4 stars). 2 submissions from 2 submitters: Uncertain significance (2). Last evaluated 2025-12-04.

Conditions:
SBF1-related disorder. Also called: SBF1-related condition.

Submissions (2):

Ambry Genetics
Classification: Uncertain significance. Last evaluated: 2025-12-04. Review status: criteria provided, single submitter. Criteria: Ambry Variant Classification Scheme 2023. Collection method: clinical testing. Allele origin: germline.

PreventionGenetics, part of Exact Sciences
Classification: Uncertain significance for SBF1-related condition. Last evaluated: 2022-11-16. Review status: criteria provided, single submitter. Criteria: ACMG Guidelines, 2015. Collection method: clinical testing. Allele origin: germline.
Comment: The SBF1 c.352C>G variant is predicted to result in the amino acid substitution p.Pro118Ala. To our knowledge, this variant has not been reported in the literature or in a large population database, indicating this variant is rare. At this time, the clinical significance of this variant is uncertain due to the absence of conclusive functional and genetic evidence.